The following is an entry in ClinVar:

NM_001376.5(DYNC1H1):c.9511A>G (p.Ile3171Val)

Gene: DYNC1H1 (dynein cytoplasmic 1 heavy chain 1; plus strand). Cytogenetic location: 14q32.31.
Variant type: single nucleotide variant.
Coding change: c.9511A>G on transcript NM_001376.5 (MANE Select); coding-DNA position 9511, A replaced by G.
Protein change: p.Ile3171Val; replaces isoleucine 3171 with valine.
Molecular consequence: missense variant.
Genome position (GRCh38, 1-based): chr14:102,029,581, A>G. VCF-style: chr14-102029581-A-G. GRCh37 (hg19) VCF-style: chr14-102495918-A-G.
Other names: short protein forms I3171V.
Identifiers: ClinVar variation 4694108 (VCV004694108.1).

ClinVar aggregate classification (germline): Uncertain significance (1 of 4 stars; one submission).

Conditions:
Charcot-Marie-Tooth disease axonal type 2O. Also called: CHARCOT-MARIE-TOOTH NEUROPATHY, AXONAL, TYPE 2O; CHARCOT-MARIE-TOOTH DISEASE, AXONAL, AUTOSOMAL DOMINANT, TYPE 2O; Charcot-Marie-Tooth Neuropathy Type 2O; Charcot-Marie-Tooth disease, axonal, type 20. Identifiers: Orphanet 284232, MedGen C3280220, MONDO:0013644, OMIM 614228.

gnomAD v4.1: 1 of 1,614,102 alleles (0.000062%); highest among the groups gnomAD compares: African/African-American, 0.0013%; no homozygotes.

Submission:

Labcorp Genetics (formerly Invitae), Labcorp
Classification: Uncertain significance for Charcot-Marie-Tooth disease axonal type 2O. Last evaluated: 2025-03-06. Review status: criteria provided, single submitter. Criteria: Invitae Variant Classification Sherloc (09022015). Collection method: clinical testing. Allele origin: germline.
Comment: This sequence change replaces isoleucine, which is neutral and non-polar, with valine, which is neutral and non-polar, at codon 3171 of the DYNC1H1 protein (p.Ile3171Val). This variant is not present in population databases (gnomAD no frequency). This variant has not been reported in the literature in individuals affected with DYNC1H1-related conditions. Invitae Evidence Modeling of protein sequence and biophysical properties (such as structural, functional, and spatial information, amino acid conservation, physicochemical variation, residue mobility, and thermodynamic stability) indicates that this missense variant is not expected to disrupt DYNC1H1 protein function with a negative predictive value of 95%. In summary, the available evidence is currently insufficient to determine the role of this variant in disease. Therefore, it has been classified as a Variant of Uncertain Significance.